The following is an entry in ClinVar:

ClinVar aggregate classification (germline): Pathogenic (1 of 4 stars; one submission).

Submission:

Labcorp Genetics (formerly Invitae), Labcorp
Classification: Pathogenic. Last evaluated: 2023-03-23. Review status: criteria provided, single submitter. Criteria: Invitae Variant Classification Sherloc (09022015). Collection method: clinical testing. Allele origin: germline.
Comment: ClinVar contains an entry for this variant (Variation ID: 2105394). For these reasons, this variant has been classified as Pathogenic. This variant has not been reported in the literature in individuals affected with DONSON-related conditions. This sequence change creates a premature translational stop signal (p.Arg442Glufs*13) in the DONSON gene. It is expected to result in an absent or disrupted protein product. Loss-of-function variants in DONSON are known to be pathogenic (PMID: 28191891, 28630177). This variant is not present in population databases (gnomAD no frequency).

Literature cited by the submitters: PubMed 28191891; PubMed 28630177.

NM_017613.4(DONSON):c.1324del (p.Arg442fs)

Gene: DONSON (DNA replication fork stabilization factor DONSON; minus strand). Cytogenetic location: 21q22.11.
Variant type: Deletion.
Coding change: c.1324del on transcript NM_017613.4 (MANE Select); coding-DNA position 1324, one base deleted (C; older notation c.1324delC).
Protein change: p.Arg442fs; shifts the reading frame from arginine 442.
Molecular consequence: frameshift variant.
Genome position (GRCh38, 1-based): chr21:33,581,328, G deleted on the plus strand (C on the coding strand, the reverse complement: DONSON is on the minus strand); the first of 2 consecutive G bases (chr21:33,581,328-33,581,329); deleting either gives the same sequence. VCF-style (leftmost placement, unchanged base first): chr21-33581327-CG-C. GRCh37 (hg19) VCF-style: chr21-34953633-CG-C.
Other names: short protein forms R442fs.
Identifiers: ClinVar variation 2105394 (VCV002105394.4), dbSNP rs1165425393, ClinGen allele CA2580098595.